The following is an entry in ClinVar:

NM_000038.6(APC):c.1986A>G (p.Leu662=)

Gene: APC (APC regulator of Wnt signaling pathway; plus strand). Cytogenetic location: 5q22.2.
Variant type: single nucleotide variant.
Coding change: c.1986A>G on transcript NM_000038.6 (MANE Select); coding-DNA position 1986, A replaced by G.
Protein change: p.Leu662=; no amino-acid change (leucine 662 retained).
Molecular consequence: synonymous variant.
Genome position (GRCh38, 1-based): chr5:112,837,580, A>G. VCF-style: chr5-112837580-A-G. GRCh37 (hg19) VCF-style: chr5-112173277-A-G.
Other names: c.1986A>G, p.Leu662= (NM_001127510.3, NM_001354895.2); c.1932A>G, p.Leu644= (NM_001127511.3); c.2040A>G, p.Leu680= (NM_001354896.2); c.2016A>G, p.Leu672= (NM_001354897.2); c.1911A>G, p.Leu637= (NM_001354898.2); c.1902A>G, p.Leu634= (NM_001354899.2); c.1863A>G, p.Leu621= (NM_001354900.2); c.1809A>G, p.Leu603= (NM_001354901.2); and 5 more.
Identifiers: ClinVar variation 1147073 (VCV001147073.49), dbSNP rs2149858182, ClinGen allele CA445963293.

ClinVar aggregate classification (germline): Benign/Likely benign. Review status: criteria provided, multiple submitters, no conflicts (2 of 4 stars). 2 submissions from 2 submitters: Benign (1); Likely benign (1). Last evaluated 2024-03-08.

Conditions:
Familial adenomatous polyposis 1 (FAP1). Also called: FAMILIAL ADENOMATOUS POLYPOSIS 1, ATTENUATED; POLYPOSIS, ADENOMATOUS INTESTINAL. Identifiers: MedGen C2713442, MONDO:0021056, OMIM 175100. Disease mechanism: loss of function.

Submissions (2):

Myriad Genetics, Inc.
Classification: Benign for Familial adenomatous polyposis 1. Last evaluated: 2024-03-08. Review status: criteria provided, single submitter. Criteria: Myriad Autosomal Dominant, Autosomal Recessive and X-Linked Classification Criteria (2023). Collection method: clinical testing. Allele origin: unknown.
Comment: This variant is considered benign. This variant is a silent/synonymous amino acid change and it is not expected to impact splicing.

Labcorp Genetics (formerly Invitae), Labcorp
Classification: Likely benign for Familial adenomatous polyposis 1. Last evaluated: 2022-02-23. Review status: criteria provided, single submitter. Criteria: Invitae Variant Classification Sherloc (09022015). Collection method: clinical testing. Allele origin: germline.